The following is an entry in ClinVar:

ClinVar aggregate classification (germline): Uncertain significance (1 of 4 stars; one submission).

Allele frequency attached by ClinVar (database versions not stated): TOPMed below 0.00001; gnomAD 0.00001.
gnomAD v4.1: 1 of 1,613,398 alleles (0.000062%); highest among the groups gnomAD compares: Admixed American, 0.0017%; no homozygotes.

Submission:

Labcorp Genetics (formerly Invitae), Labcorp
Classification: Uncertain significance. Last evaluated: 2023-03-11. Review status: criteria provided, single submitter. Criteria: Invitae Variant Classification Sherloc (09022015). Collection method: clinical testing. Allele origin: germline.
Comment: In summary, the available evidence is currently insufficient to determine the role of this variant in disease. Therefore, it has been classified as a Variant of Uncertain Significance. Advanced modeling of protein sequence and biophysical properties (such as structural, functional, and spatial information, amino acid conservation, physicochemical variation, residue mobility, and thermodynamic stability) performed at Invitae indicates that this missense variant is not expected to disrupt KMT2A protein function. This variant has not been reported in the literature in individuals affected with KMT2A-related conditions. This variant is not present in population databases (gnomAD no frequency). This sequence change replaces valine, which is neutral and non-polar, with alanine, which is neutral and non-polar, at codon 2500 of the KMT2A protein (p.Val2500Ala).

NM_001197104.2(KMT2A):c.7499T>C (p.Val2500Ala)

Gene: KMT2A (lysine methyltransferase 2A; plus strand). Cytogenetic location: 11q23.3.
Variant type: single nucleotide variant.
Coding change: c.7499T>C on transcript NM_001197104.2 (MANE Select); coding-DNA position 7499, T replaced by C.
Protein change: p.Val2500Ala; replaces valine 2500 with alanine.
Molecular consequence: missense variant.
Genome position (GRCh38, 1-based): chr11:118,503,391, T>C. VCF-style: chr11-118503391-T-C. GRCh37 (hg19) VCF-style: chr11-118374106-T-C.
Other names: c.7589T>C, p.Val2530Ala (NM_001412597.1); c.7490T>C, p.Val2497Ala (NM_005933.4); short protein forms V2497A, V2500A, V2530A.
Identifiers: ClinVar variation 2989312 (VCV002989312.3), dbSNP rs1260125287, ClinGen allele CA382805810.
Genomic context (GRCh38, chr11:118,503,391, plus strand): 5'-GACCATGTAACAATGTTTCTTCTGATAAGATTGGTGATAAAGGCCTTTCTATGCCAGGAG[T>C]CCCCAAAGCTCCACCCATGCAAGTAGAAGGATCTGCCAAGGAATTACAGGCACCACGGAA-3'
Protein context (NP_001184033.1, residues 2490-2510): IGDKGLSMPG[Val2500Ala]PKAPPMQVEG